The following is an entry in ClinVar:

ClinVar aggregate classification (germline): Uncertain significance (1 of 4 stars; one submission).

Conditions:
Hereditary sensory and autonomic neuropathy type 6. Also called: HSAN VI; Neuropathy, hereditary sensory and autonomic, type VI. Identifiers: Orphanet 314381, MedGen C3539003, MONDO:0013839, OMIM 614653.
Epidermolysis bullosa simplex 3, localized or generalized intermediate, with BP230 deficiency (EBS3). Also called: Epidermolysis bullosa simplex, autosomal recessive 2; Epidermolysis bullosa simplex due to BP230 deficiency. Identifiers: Orphanet 412181, MedGen C3809470, MONDO:0014180, OMIM 615425.

Allele frequency attached by ClinVar (database versions not stated): gnomAD 0.00001; gnomAD exomes 0.00001; TOPMed 0.00002.
gnomAD v4.1: 22 of 1,614,190 alleles (0.0014%); highest among the groups gnomAD compares: East Asian, 0.036%; no homozygotes.

Submission:

Labcorp Genetics (formerly Invitae), Labcorp
Classification: Uncertain significance for Epidermolysis bullosa simplex 3, localized or generalized intermediate, with BP230 deficiency; Hereditary sensory and autonomic neuropathy type 6. Last evaluated: 2024-11-05. Review status: criteria provided, single submitter. Criteria: Invitae Variant Classification Sherloc (09022015). Collection method: clinical testing. Allele origin: germline.
Comment: This sequence change replaces lysine, which is basic and polar, with glutamic acid, which is acidic and polar, at codon 1227 of the DST protein (p.Lys1227Glu). This variant is present in population databases (no rsID available, gnomAD 0.006%). This variant has not been reported in the literature in individuals affected with DST-related conditions. ClinVar contains an entry for this variant (Variation ID: 541440). An algorithm developed to predict the effect of missense changes on protein structure and function (PolyPhen-2) suggests that this variant is likely to be tolerated. In summary, the available evidence is currently insufficient to determine the role of this variant in disease. Therefore, it has been classified as a Variant of Uncertain Significance.

NM_001723.7(DST):c.3679A>G (p.Lys1227Glu)

Gene: DST (dystonin; minus strand). Cytogenetic location: 6p12.1.
Variant type: single nucleotide variant.
Coding change: c.3679A>G on transcript NM_001723.7 (MANE Plus Clinical); coding-DNA position 3679, A replaced by G.
Protein change: p.Lys1227Glu; replaces lysine 1227 with glutamic acid.
Molecular consequence: missense variant. On other transcripts: intron variant (10).
Genome position (GRCh38, 1-based): chr6:56,620,355, T>C on the plus strand (A>G on the coding strand, the complement: DST is on the minus strand). VCF-style: chr6-56620355-T-C. GRCh37 (hg19) VCF-style: chr6-56485153-T-C.
Other names: c.4830+4175A>G (NM_001144769.5); c.4929+4175A>G (NM_001374722.1, NM_001374736.1); c.4956+4175A>G (NM_001374734.1); c.4416+4175A>G (NM_001144770.2); c.4296+4175A>G (NM_001374730.1, NM_001386100.1, NM_183380.4 and 1 more transcripts); c.3318+4175A>G (NM_015548.5); short protein forms K1227E.
Identifiers: ClinVar variation 541440 (VCV000541440.9), dbSNP rs914360656, ClinGen allele CA139209899.